The following is an entry in ClinVar:

ClinVar aggregate classification (germline): Benign/Likely benign. Review status: criteria provided, multiple submitters, no conflicts (2 of 4 stars). 4 submissions from 4 submitters: Benign (1); Likely benign (3). Last evaluated 2025-10-03.

Conditions:
Tuberous sclerosis syndrome (TSC). Also called: Tuberous Sclerosis Complex; Tuberous sclerosis. Identifiers: Orphanet 805, MedGen C0041341, MONDO:0001734.
Hereditary cancer-predisposing syndrome. Also called: Hereditary neoplastic syndrome; Neoplastic Syndromes, Hereditary; Tumor predisposition; Hereditary Cancer Syndrome. Identifiers: Orphanet 140162, MedGen C0027672, MeSH D009386, MONDO:0015356.
Tuberous sclerosis 2 (TSC2). Identifiers: Orphanet 805, MedGen C1860707, MONDO:0013199, OMIM 613254.

gnomAD v4.1: 10 of 1,612,738 alleles (0.00062%); highest among the groups gnomAD compares: Non-Finnish European, 0.00076%; no homozygotes.

Submissions (4):

Labcorp Genetics (formerly Invitae), Labcorp
Classification: Likely benign for Tuberous sclerosis 2. Last evaluated: 2025-10-03. Review status: criteria provided, single submitter. Criteria: Invitae Variant Classification Sherloc (09022015). Collection method: clinical testing. Allele origin: germline.

Myriad Genetics, Inc.
Classification: Benign for Tuberous sclerosis 2. Last evaluated: 2025-05-27. Review status: criteria provided, single submitter. Criteria: Myriad Autosomal Dominant, Autosomal Recessive and X-Linked Classification Criteria (2023). Collection method: clinical testing. Allele origin: unknown.
Comment: This variant is considered benign. This variant is a silent/synonymous amino acid change and it is not expected to impact splicing.

Ambry Genetics
Classification: Likely benign for Hereditary cancer-predisposing syndrome. Last evaluated: 2025-02-27. Review status: criteria provided, single submitter. Criteria: Ambry Variant Classification Scheme 2023. Collection method: clinical testing. Allele origin: germline.

Color Diagnostics, LLC DBA Color Health
Classification: Likely benign for Tuberous sclerosis syndrome. Last evaluated: 2022-09-28. Review status: criteria provided, single submitter. Criteria: ACMG Guidelines, 2015. Collection method: clinical testing. Allele origin: germline.

NM_000548.5(TSC2):c.2973A>C (p.Ile991=)

Gene: TSC2 (TSC complex subunit 2; plus strand). Cytogenetic location: 16p13.3.
Variant type: single nucleotide variant.
Coding change: c.2973A>C on transcript NM_000548.5 (MANE Select); coding-DNA position 2973, A replaced by C.
Protein change: p.Ile991=; no amino-acid change (isoleucine 991 retained).
Molecular consequence: synonymous variant.
Genome position (GRCh38, 1-based): chr16:2,079,038, A>C. VCF-style: chr16-2079038-A-C. GRCh37 (hg19) VCF-style: chr16-2129039-A-C.
Other names: c.2841A>C, p.Ile947= (NM_001077183.3, NM_001370404.1); c.2973A>C, p.Ile991= (NM_001114382.3); c.2733A>C, p.Ile911= (NM_001318827.2); c.2697A>C, p.Ile899= (NM_001318829.2); c.2241A>C, p.Ile747= (NM_001318831.2); c.2874A>C, p.Ile958= (NM_001318832.2); c.2844A>C, p.Ile948= (NM_001363528.2, NM_001370405.1, NM_021055.3).
Identifiers: ClinVar variation 467982 (VCV000467982.11), dbSNP rs750003833, ClinGen allele CA276745089.